The following is an entry in ClinVar:

ClinVar aggregate classification (germline): Pathogenic (1 of 4 stars; one submission).

Conditions:
Infantile cortical hyperostosis. Also called: Caffey Disease; P1PK BLOOD GROUP SYSTEM, P(2) PHENOTYPE; Hyperostosis, Cortical, Congenital. Identifiers: Orphanet 1310, MedGen C0020497, MONDO:0007244, OMIM 114000.

gnomAD v4.1: 2 of 1,613,024 alleles (0.00012%); highest among the groups gnomAD compares: Non-Finnish European, 0.00017%; no homozygotes.

Submission:

Laboratory of Medical Genetics, National & Kapodistrian University of Athens
Classification: Pathogenic for Infantile cortical hyperostosis. Last evaluated: 2023-10-04. Review status: criteria provided, single submitter. Criteria: ACMG Guidelines, 2015. Collection method: clinical testing. Allele origin: germline. Affected: yes.
Comment: PS3, PM1, PM2, PP3, PP4, PP5 - Low frequency in gnomAD population databases. In silico prediction tools estimated that the variant could be damaging for the protein function/stracture. Higly relevant to the patient's phenotype. This variant has been previously reported as causative for Caffey disease (PMID:34272483).

NM_000088.4(COL1A1):c.2752C>T (p.Arg918Cys)

Gene: COL1A1 (collagen type I alpha 1 chain; minus strand). Cytogenetic location: 17q21.33.
Variant type: single nucleotide variant.
Coding change: c.2752C>T on transcript NM_000088.4 (MANE Select); coding-DNA position 2752, C replaced by T.
Protein change: p.Arg918Cys; replaces arginine 918 with cysteine.
Molecular consequence: missense variant.
Genome position (GRCh38, 1-based): chr17:50,189,454, G>A on the plus strand (C>T on the coding strand, the complement: COL1A1 is on the minus strand). VCF-style: chr17-50189454-G-A. GRCh37 (hg19) VCF-style: chr17-48266815-G-A.
Other names: short protein forms R918C.
Identifiers: ClinVar variation 3256564 (VCV003256564.1).